The following is an entry in ClinVar:

ClinVar aggregate classification (germline): Conflicting classifications of pathogenicity. Review status: criteria provided, conflicting classifications (1 of 4 stars). 10 submissions from 10 submitters: Pathogenic (6); Likely pathogenic (1); Uncertain significance (1). 2 of the submissions do not count toward it. Last evaluated 2025-11-27.

Conditions:
Rolandic epilepsy-paroxysmal exercise-induced dystonia-writer's cramp syndrome. Also called: TBC1D24-Related Rolandic Epilepsy with Paroxysmal Exercise-Induced Dystonia and Writer's Cramp (EPRPDC); RE-PED-WC. Identifiers: Orphanet 163727, MedGen C1842531, MONDO:0011970, OMIM 608105.
Auditory neuropathy spectrum disorder. Identifiers: MedGen C2732267.
Developmental and epileptic encephalopathy, 1 (DEE1). Also called: X-linked infantile spasms; West's syndrome; Tonic spasms with clustering, arrest of psychomotor development and hypsarrhythmia on EEG; X-Linked Infantile Spasm Syndrome; OHTAHARA SYNDROME, X-LINKED; INFANTILE SPASM SYNDROME, X-LINKED 1. Identifiers: MedGen C3463992, MONDO:0010632, OMIM 308350. Disease mechanism: loss of function.
Autosomal dominant nonsyndromic hearing loss 65. Also called: TBC1D24-Related Autosomal Dominant Nonsyndromic Hearing Loss (DFNA); Deafness, autosomal dominant 65. Identifiers: Orphanet 90635, MedGen C3892048, MONDO:0014470, OMIM 616044.
DOORS syndrome (DOORS). Also called: DEAFNESS, ONYCHODYSTROPHY, OSTEODYSTROPHY, IMPAIRED INTELLECTUAL DEVELOPMENT, AND SEIZURES SYNDROME; DOORS Syndrome (Deafness, Onychodystrophy, Osteodystrophy, Mental Retardation, and Seizures); DRC SYNDROME; BRACHYDACTYLY DUE TO ABSENCE OF DISTAL PHALANGES; ERONEN SYNDROME; DOOR SYNDROME. Identifiers: Orphanet 3231, Orphanet 79500, MedGen C0795934, MONDO:0009079, OMIM 220500. Disease mechanism: loss of function.
Familial infantile myoclonic epilepsy (FIME). Also called: Epilepsy, Myoclonic, Infantile; TBC1D24-Related Familial Infantile Myoclonic Epilepsy (FIME). Identifiers: Orphanet 352582, MedGen C0917800, MONDO:0011506, OMIM 605021.
Autosomal recessive nonsyndromic hearing loss 86 (DFNB86). Also called: TBC1D24-Related Autosomal Recessive Nonsyndromic Hearing Loss (DFNB); Deafness , autosomal recessive 86. Identifiers: Orphanet 90636, MedGen C2829265, MONDO:0013826, OMIM 614617.
Developmental and epileptic encephalopathy, 16 (DEE16). Also called: TBC1D24-Related Developmental and Epileptic Encephalopathy (DEE); Early infantile epileptic encephalopathy 16. Identifiers: Orphanet 293181, Orphanet 352596, MedGen C3809173, MONDO:0014133, OMIM 615338.
TBC1D24-related disorder. Also called: TBC1D24-related condition; TBC1D24-related disorders. Identifiers: MedGen CN381194.
Inborn genetic diseases. Identifiers: MedGen C0950123, MeSH D030342.

Submissions (10):

Labcorp Genetics (formerly Invitae), Labcorp
Classification: Pathogenic for Developmental and epileptic encephalopathy, 1; Autosomal dominant nonsyndromic hearing loss 65. Last evaluated: 2025-11-27. Review status: criteria provided, single submitter. Criteria: Invitae Variant Classification Sherloc (09022015). Collection method: clinical testing. Allele origin: germline.
Comment: This variant, c.241_252del, results in the deletion of 4 amino acid(s) of the TBC1D24 protein (p.Ile81_Lys84del), but otherwise preserves the integrity of the reading frame. This variant is present in population databases (rs761918906, gnomAD 0.1%). This variant has been observed in individual(s) with clinical features of TBC1D24-related conditions (PMID: 29416524, 31112829, 31257402). In at least one individual the data is consistent with being in trans (on the opposite chromosome) from a pathogenic variant. This variant is also known as c.229_240del (p.82_84del). ClinVar contains an entry for this variant (Variation ID: 418692). For these reasons, this variant has been classified as Pathogenic.

Variantyx, Inc.
Classification: Pathogenic for Autosomal recessive nonsyndromic hearing loss 86. Last evaluated: 2025-11-24. Review status: criteria provided, single submitter. Criteria: Variantyx Assertion Criteria 2022. Collection method: clinical testing. Allele origin: germline. Inheritance: Autosomal recessive inheritance. Affected: no.
Comment: This is an inframe deletion variant in the TBC1D24 gene (OMIM: 613577). Pathogenic variants in this gene have been associated with autosomal recessive TBC1D24-related disorders. This variant causes an in-frame deletion of 4 amino acids at position p.Ile81_Lys84del of the TBC1D24 protein (PM4). This variant has been reported in the homozygous or compound heterozygous state in at least 8 individuals affected with TBC1D24-related disorders (PMID:35413638,31257402,31112829) (PM3). However, autosomal recessive deafness 86 has not been identified in association with this specific variant. This variant has a 0.0379% maximum allele frequency in non-founder control populations (PM2). Based on the current evidence, this variant is classified as pathogenic for autosomal recessive TBC1D24-related disorders.

3billion
Classification: Likely pathogenic for Familial infantile myoclonic epilepsy. Last evaluated: 2025-10-31. Review status: criteria provided, single submitter. Criteria: ACMG Guidelines, 2015. Collection method: clinical testing. Allele origin: germline. Affected: yes.
Comment: The variant is observed at an extremely low frequency in the gnomAD v4.1.0 dataset (total allele frequency: 0.002%). Predicted Consequence/Location: Inframe deletion located in a nonrepeat region: predicted to change the length of the protein and disrupt normal protein function. The variant has been reported at least twice as pathogenic with clinical assertions and evidence for the classification (ClinVar ID: VCV000418692 /PMID: 29416524). Therefore, this variant is classified as Likely pathogenic according to the recommendation of ACMG/AMP guideline.

Ambry Genetics
Classification: Uncertain significance for Inborn genetic diseases. Last evaluated: 2025-09-12. Review status: criteria provided, single submitter. Criteria: Ambry Variant Classification Scheme 2023. Collection method: clinical testing. Allele origin: germline.
Comment: The p.I81_K84del variant (also known as c.241_252del12), located in coding exon 1 of the TBC1D24 gene, results from an in-frame deletion of 12 nucleotides at positions 241 to 252. This results in the deletion of 4 amino acids, one of the IVGK repeats, between codons 81 and 84. This variant has been identified in the homozygous state and/or in conjunction with other variant(s) in this same gene in individual(s) with features consistent with TBC1D24-related disorders and segregated with disease in at least one family (Shao Q et al. Epilepsy Res, 2022 May;182:106923; Zhang J et al. Seizure, 2019 Jul;69:228-234; Zhou Q et al. Front Neurol, 2017 Jan;8:750). These amino acid positions are not well conserved in available vertebrate species. In addition, this variant is predicted to be deleterious by in silico analysis (Choi Y et al. PLoS ONE. 2012; 7(10):e46688). This variant is considered to be rare based on population cohorts in the Genome Aggregation Database (gnomAD). Although biallelic loss of function of TBC1D24 has been associated with TBC1D24-related disorders, haploinsufficiency of TBC1D24 has not been established as a mechanism of disease for TBC1D24-related deafness. Based on the supporting evidence, this variant is expected to be causative of autosomal recessive TBC1D24-related disorders when present along with a second pathogenic variant on the other allele; however, its clinical significance for autosomal dominant TBC1D24-related deafness is unclear.

GeneDx
Classification: Pathogenic. Last evaluated: 2025-09-08. Review status: criteria provided, single submitter. Criteria: GeneDx Variant Classification Process June 2021. Collection method: clinical testing. Allele origin: germline. Affected: yes.
Comment: In silico analysis supports a deleterious effect on protein structure/function; In-frame deletion of 4 amino acid(s) in a non-repeat region; This variant is associated with the following publications: (PMID: 32663648, 29416524, 35413638, 31112829, 29429257, 30180405, 31257402, 31216804, 33333793, 34120799, 37329172)

Blueprint Genetics
Classification: Pathogenic for TBC1D24-related disorders. Last evaluated: 2023-07-31. Review status: criteria provided, single submitter. Criteria: ACMG Guidelines, 2015. Collection method: clinical testing. Allele origin: germline. Affected: yes. Observed: 4 variant alleles.

Revvity Omics, Revvity
Classification: Pathogenic. Last evaluated: 2022-02-15. Review status: criteria provided, single submitter. Criteria: ACMG Guidelines, 2015. Collection method: clinical testing. Allele origin: germline.

Juno Genomics, Hangzhou Juno Genomics, Inc
Classification: Pathogenic for Autosomal dominant nonsyndromic hearing loss 65; Autosomal recessive nonsyndromic hearing loss 86; Developmental and epileptic encephalopathy, 16; DOORS syndrome; Rolandic epilepsy-paroxysmal exercise-induced dystonia-writer's cramp syndrome; Familial infantile myoclonic epilepsy. Review status: criteria provided, single submitter. Criteria: ACMG Guidelines, 2015. Collection method: clinical testing. Allele origin: germline.
Comment: Protein length changes due to in-frame deletions/insertions in a non-repeat region or stop-loss variants.;For recessive disorders, detected in trans with a pathogenic variant.

Department of Otolaryngology, Head and Neck Surgery, Beijing Friendship Hospital, Capital Medical University
Classification: Pathogenic for Auditory neuropathy spectrum disorder. Last evaluated: 2023-04-03. Review status: no assertion criteria provided. Collection method: clinical testing. Allele origin: inherited. Inheritance: Autosomal recessive inheritance. Affected: yes. Not counted in ClinVar's aggregate classification.

OMIM
Classification: Pathogenic for EPILEPSY, ROLANDIC, WITH PAROXYSMAL EXERCISE-INDUCED DYSTONIA AND WRITER'S CRAMP. Last evaluated: 2019-08-09. Review status: no assertion criteria provided. Collection method: literature only. Allele origin: germline. Not counted in ClinVar's aggregate classification.

Literature cited by the submitters: PubMed 29416524 (cited by 3 submitters); PubMed 31112829 (cited by 3 submitters); PubMed 31257402 (cited by 3 submitters); PubMed 35413638 (cited by Variantyx, Inc. and Ambry Genetics).

NM_001199107.2(TBC1D24):c.229ATCGTGGGCAAG[1] (p.77IVGK[1])

Gene: TBC1D24 (TBC1 domain family member 24; plus strand). Cytogenetic location: 16p13.3.
Variant type: Microsatellite.
Coding change: c.229ATCGTGGGCAAG[1] on transcript NM_001199107.2 (MANE Select); one copy of the 12-base unit ATCGTGGGCAAG starting at c.229; the reference has two copies in a row; one copy, 12 bases deleted; also written c.241_252del.
Protein change: p.77IVGK[1].
Molecular consequence: inframe deletion.
Genome position (GRCh38, 1-based): chr16:2,496,389-2,496,400, ATCGTGGGCAAG deleted; deleting any 12 consecutive bases within chr16:2,496,377-2,496,400 gives the same sequence; the position shown is the placement nearest the transcript's 3' end. VCF-style (leftmost placement, unchanged base first): chr16-2496376-CATCGTGGGCAAG-C. GRCh37 (hg19) VCF-style: chr16-2546377-CATCGTGGGCAAG-C.
Other names: c.241_252del (NM_001199107.1, NM_001199107.2); c.229ATCGTGGGCAAG[1], p.77IVGK[1] (NM_020705.3); c.241_252del12 (NM_001199107.1).
Identifiers: ClinVar variation 418692 (VCV000418692.33), dbSNP rs761918906, ClinGen allele CA7843957.